The following is an entry in ClinVar:

NM_153026.3(PRICKLE1):c.132+3dup

Gene: PRICKLE1 (prickle planar cell polarity protein 1; minus strand). Cytogenetic location: 12q12.
Variant type: Duplication.
Coding change: c.132+3dup on transcript NM_153026.3 (MANE Select); 3 bases into the intron after coding-DNA position 132, one base duplicated (A; older notation c.132+3dupA).
Molecular consequence: intron variant.
Genome position (GRCh38, 1-based): chr12:42,472,382, T duplicated on the plus strand (A on the coding strand, the reverse complement: PRICKLE1 is on the minus strand). VCF-style (leftmost placement, unchanged base first): chr12-42472381-C-CT. GRCh37 (hg19) VCF-style: chr12-42866183-C-CT.
Other names: c.132+3dup (NM_001144883.2, NM_001144882.2, NM_001144881.2).
Identifiers: ClinVar variation 2095521 (VCV002095521.4), dbSNP rs1938359241, ClinGen allele CA2031941038.

ClinVar aggregate classification (germline): Uncertain significance (1 of 4 stars; one submission).

Conditions:
Epilepsy, progressive myoclonic, 1B. Also called: PME. Identifiers: Orphanet 308, MedGen C2676254, MONDO:0012904, OMIM 612437.

Allele frequency attached by ClinVar (database versions not stated): gnomAD exomes below 0.00001.

Submission:

Labcorp Genetics (formerly Invitae), Labcorp
Classification: Uncertain significance for Epilepsy, progressive myoclonic, 1B. Last evaluated: 2022-11-15. Review status: criteria provided, single submitter. Criteria: Invitae Variant Classification Sherloc (09022015). Collection method: clinical testing. Allele origin: germline.
Comment: This variant is not present in population databases (gnomAD no frequency). This sequence change falls in intron 2 of the PRICKLE1 gene. It does not directly change the encoded amino acid sequence of the PRICKLE1 protein. It affects a nucleotide within the consensus splice site. In summary, the available evidence is currently insufficient to determine the role of this variant in disease. Therefore, it has been classified as a Variant of Uncertain Significance. Variants that disrupt the consensus splice site are a relatively common cause of aberrant splicing (PMID: 17576681, 9536098). Algorithms developed to predict the effect of sequence changes on RNA splicing suggest that this variant is not likely to affect RNA splicing. This variant has not been reported in the literature in individuals affected with PRICKLE1-related conditions.

Literature cited by the submitters: PubMed 17576681; PubMed 9536098.